The following is an entry in ClinVar:

NM_001032396.4(PJA1):c.1260G>A (p.Gly420=)

Gene: PJA1 (praja ring finger ubiquitin ligase 1; minus strand). Cytogenetic location: Xq13.1.
Variant type: single nucleotide variant.
Coding change: c.1260G>A on transcript NM_001032396.4 (MANE Select); coding-DNA position 1260, G replaced by A.
Protein change: p.Gly420=; no amino-acid change (glycine 420 retained).
Molecular consequence: synonymous variant.
Genome position (GRCh38, 1-based): chrX:69,161,814, C>T on the plus strand (G>A on the coding strand, the complement: PJA1 is on the minus strand). VCF-style: chrX-69161814-C-T. GRCh37 (hg19) VCF-style: chrX-68381657-C-T.
Other names: c.1425G>A, p.Gly475= (NM_001382775.1, NM_145119.4); c.1260G>A, p.Gly420= (NM_001382776.1); c.861G>A, p.Gly287= (NM_022368.5).
Identifiers: ClinVar variation 2660796 (VCV002660796.24), dbSNP rs199987256, ClinGen allele CA10438354.

ClinVar aggregate classification (germline): Likely benign (1 of 4 stars; one submission).

Allele frequency attached by ClinVar (database versions not stated): TOPMed 0.00017; gnomAD exomes 0.00028; gnomAD 0.00030; ExAC 0.00031; ESP Exome Variant Server 0.00038.

Submission:

CeGaT Center for Human Genetics Tuebingen
Classification: Likely benign. Last evaluated: 2022-03-01. Review status: criteria provided, single submitter. Criteria: CeGaT Center For Human Genetics Tuebingen Variant Classification Criteria Version 2. Collection method: clinical testing. Allele origin: germline. Affected: yes. Observed: 1 variant allele.
Comment: PJA1: BP4, BP7